The following is an entry in ClinVar:

NM_005050.4(ABCD4):c.1291C>T (p.Leu431Phe)

Gene: ABCD4 (ATP binding cassette subfamily D member 4; minus strand). Cytogenetic location: 14q24.3.
Variant type: single nucleotide variant.
Coding change: c.1291C>T on transcript NM_005050.4 (MANE Select); coding-DNA position 1291, C replaced by T.
Protein change: p.Leu431Phe; replaces leucine 431 with phenylalanine.
Molecular consequence: missense variant. On other transcripts: non-coding transcript variant (10).
Genome position (GRCh38, 1-based): chr14:74,290,327, G>A on the plus strand (C>T on the coding strand, the complement: ABCD4 is on the minus strand). VCF-style: chr14-74290327-G-A. GRCh37 (hg19) VCF-style: chr14-74757030-G-A.
Other names: c.1165C>T, p.Leu389Phe (NM_001353591.2, NM_001353592.2); c.1030C>T, p.Leu344Phe (NM_001353593.2); c.979C>T, p.Leu327Phe (NM_001353594.2); c.877C>T, p.Leu293Phe (NM_001353595.2, NM_001353596.2); c.826C>T, p.Leu276Phe (NM_001353597.2); c.814C>T, p.Leu272Phe (NM_001353598.2, NM_001353599.2, NM_001353600.2 and 3 more transcripts); c.502C>T, p.Leu168Phe (NM_001353602.2, NM_001353603.2, NM_001353604.2 and 6 more transcripts); c.1291C>T, p.Leu431Phe (NM_001440752.1, NM_001440753.1, NM_020325.3); and 1 more; short protein forms L168F, L272F, L276F, L293F, L327F, L340F, L344F, L389F.
Identifiers: ClinVar variation 4808891 (VCV004808891.1).
Genomic context (GRCh38, chr14:74,290,327, plus strand): 5'-AGGCAGGGAGGGCCTGGCTCTCACCCCGTGTACTCGTCCAGAGGCCACCCAGAACCCGGA[G>A]CAAGGAGGTCTTGCCAGTGCCCGTGTTGCCTGTGATGAGCAGGCTCTGTCCCTCGGAGAT-3'
Protein context (NP_005041.1, residues 421-441): GNTGTGKTSL[Leu431Phe]RVLGGLWTST

ClinVar aggregate classification (germline): Uncertain significance (1 of 4 stars; one submission).

Conditions:
Methylmalonic acidemia with homocystinuria, type cblJ (MAHCJ). Also called: METHYLMALONIC ACIDURIA AND HOMOCYSTINURIA, cblJ TYPE. Identifiers: Orphanet 369955, MedGen C3553915, MONDO:0013925, OMIM 614857.

Submission:

Labcorp Genetics (formerly Invitae), Labcorp
Classification: Uncertain significance for Methylmalonic acidemia with homocystinuria, type cblJ. Last evaluated: 2025-11-24. Review status: criteria provided, single submitter. Criteria: Invitae Variant Classification Sherloc (09022015). Collection method: clinical testing. Allele origin: germline.
Comment: This sequence change replaces leucine, which is neutral and non-polar, with phenylalanine, which is neutral and non-polar, at codon 431 of the ABCD4 protein (p.Leu431Phe). This variant is not present in population databases (gnomAD no frequency). This variant has not been reported in the literature in individuals affected with ABCD4-related conditions. Invitae Evidence Modeling of protein sequence and biophysical properties (such as structural, functional, and spatial information, amino acid conservation, physicochemical variation, residue mobility, and thermodynamic stability) indicates that this missense variant is expected to disrupt ABCD4 protein function with a positive predictive value of 95%. In summary, the available evidence is currently insufficient to determine the role of this variant in disease. Therefore, it has been classified as a Variant of Uncertain Significance.